The following is an entry in ClinVar:

ClinVar aggregate classification (germline): Uncertain significance. Review status: criteria provided, multiple submitters, no conflicts (2 of 4 stars). 2 submissions from 2 submitters: Uncertain significance (2). Last evaluated 2025-04-17.

Conditions:
Hereditary nonpolyposis colorectal neoplasms. Identifiers: MedGen C0009405, MeSH D003123.
Hereditary cancer-predisposing syndrome. Also called: Tumor predisposition; Hereditary neoplastic syndrome; Neoplastic Syndromes, Hereditary; Hereditary Cancer Syndrome. Identifiers: Orphanet 140162, MedGen C0027672, MeSH D009386, MONDO:0015356.

Submissions (2):

Labcorp Genetics (formerly Invitae), Labcorp
Classification: Uncertain significance for Hereditary nonpolyposis colorectal neoplasms. Last evaluated: 2025-04-17. Review status: criteria provided, single submitter. Criteria: Invitae Variant Classification Sherloc (09022015). Collection method: clinical testing. Allele origin: germline.
Comment: This sequence change replaces proline, which is neutral and non-polar, with threonine, which is neutral and polar, at codon 1082 of the MSH6 protein (p.Pro1082Thr). This variant is not present in population databases (gnomAD no frequency). This variant has not been reported in the literature in individuals affected with MSH6-related conditions. ClinVar contains an entry for this variant (Variation ID: 1009182). Invitae Evidence Modeling of protein sequence and biophysical properties (such as structural, functional, and spatial information, amino acid conservation, physicochemical variation, residue mobility, and thermodynamic stability) indicates that this missense variant is not expected to disrupt MSH6 protein function with a negative predictive value of 95%. In summary, the available evidence is currently insufficient to determine the role of this variant in disease. Therefore, it has been classified as a Variant of Uncertain Significance.

Ambry Genetics
Classification: Uncertain significance for Hereditary cancer-predisposing syndrome. Last evaluated: 2024-11-20. Review status: criteria provided, single submitter. Criteria: Ambry Variant Classification Scheme 2023. Collection method: clinical testing. Allele origin: germline.
Comment: The p.P1082T variant (also known as c.3244C>A), located in coding exon 5 of the MSH6 gene, results from a C to A substitution at nucleotide position 3244. The proline at codon 1082 is replaced by threonine, an amino acid with highly similar properties. This amino acid position is well conserved in available vertebrate species. In addition, the in silico prediction for this alteration is inconclusive. Based on the available evidence, the clinical significance of this variant remains unclear.

NM_000179.3(MSH6):c.3244C>A (p.Pro1082Thr)

Gene: MSH6 (mutS homolog 6; plus strand). Cytogenetic location: 2p16.3.
Variant type: single nucleotide variant.
Coding change: c.3244C>A on transcript NM_000179.3 (MANE Select); coding-DNA position 3244, C replaced by A.
Protein change: p.Pro1082Thr; replaces proline 1082 with threonine.
Molecular consequence: missense variant.
Genome position (GRCh38, 1-based): chr2:47,803,491, C>A. VCF-style: chr2-47803491-C-A. GRCh37 (hg19) VCF-style: chr2-48030630-C-A.
Other names: c.2854C>A, p.Pro952Thr (NM_001281492.2); c.2338C>A, p.Pro780Thr (NM_001281493.2, NM_001281494.2); c.3244C>A (NM_000179.2); short protein forms P1082T, P780T, P952T.
Identifiers: ClinVar variation 1009182 (VCV001009182.10), dbSNP rs186240214, ClinGen allele CA346758109.